The following is an entry in ClinVar:

ClinVar aggregate classification (germline): Likely pathogenic (1 of 4 stars; one submission).

Conditions:
Hereditary cancer-predisposing syndrome. Also called: Tumor predisposition; Hereditary Cancer Syndrome; Hereditary neoplastic syndrome; Neoplastic Syndromes, Hereditary. Identifiers: Orphanet 140162, MedGen C0027672, MeSH D009386, MONDO:0015356.

Submission:

Ambry Genetics
Classification: Likely pathogenic for Hereditary cancer-predisposing syndrome. Last evaluated: 2025-10-31. Review status: criteria provided, single submitter. Criteria: Ambry Variant Classification Scheme 2023. Collection method: clinical testing. Allele origin: germline.
Comment: The c.718+5G>A intronic variant results from a G to A substitution 5 nucleotides after coding exon 7 in the RB1 gene. This nucleotide position is highly conserved in available vertebrate species. This variant was reported in individuals with features consistent with RB1-related hereditary retinoblastoma; in at least one individual, it was determined to be de novo (Jakubowska A et al. Hum Mutat, 2001 Nov;18:459; Rushlow D et al. Hum Mutat, 2009 May;30:842-51). In silico splice site analysis predicts that this alteration will weaken the native splice donor site. Published RNA studies have reported that this variant results in the in-frame skipping of exon 7 (Jakubowska A et al. Hum Mutat, 2001 Nov;18:459; Rushlow D et al. Hum Mutat, 2009 May;30:842-51). This variant is considered to be rare based on population cohorts in the Genome Aggregation Database (gnomAD). Based on the majority of available evidence to date, this variant is likely to be pathogenic.

Literature cited by the submitters: PubMed 11668642; PubMed 19280657.

NM_000321.3(RB1):c.718+5G>A

Gene: RB1 (RB transcriptional corepressor 1; plus strand). Cytogenetic location: 13q14.2.
Variant type: single nucleotide variant.
Coding change: c.718+5G>A on transcript NM_000321.3 (MANE Select); 5 bases into the intron after coding-DNA position 718, G replaced by A.
Molecular consequence: intron variant.
Genome position (GRCh38, 1-based): chr13:48,360,132, G>A. VCF-style: chr13-48360132-G-A. GRCh37 (hg19) VCF-style: chr13-48934268-G-A.
Other names: c.718+5G>A (NM_001407165.1, NM_001407166.1).
Identifiers: ClinVar variation 4544143 (VCV004544143.1).